The following is an entry in ClinVar:

ClinVar aggregate classification (germline): Uncertain significance. Review status: criteria provided, multiple submitters, no conflicts (2 of 4 stars). 2 submissions from 2 submitters: Uncertain significance (2). Last evaluated 2025-01-29.

Conditions:
Hereditary cancer-predisposing syndrome. Also called: Neoplastic Syndromes, Hereditary; Tumor predisposition; Hereditary neoplastic syndrome; Hereditary Cancer Syndrome. Identifiers: Orphanet 140162, MedGen C0027672, MeSH D009386, MONDO:0015356.
Ataxia-telangiectasia syndrome (AT). Also called: Ataxia-telangiectasia, complementation group D; AT, COMPLEMENTATION GROUP C; ATAXIA-TELANGIECTASIA, COMPLEMENTATION GROUP A; ATAXIA-TELANGIECTASIA, FRESNO VARIANT; Ataxia-telangiectasia; LOUIS-BAR SYNDROME. Identifiers: Orphanet 100, MedGen C0004135, MONDO:0008840, OMIM 208900.

gnomAD v4.1: 3 of 1,613,394 alleles (0.00019%); highest among the groups gnomAD compares: Non-Finnish European, 0.00025%; no homozygotes.

Submissions (2):

Labcorp Genetics (formerly Invitae), Labcorp
Classification: Uncertain significance for Ataxia-telangiectasia syndrome. Last evaluated: 2025-01-29. Review status: criteria provided, single submitter. Criteria: Invitae Variant Classification Sherloc (09022015). Collection method: clinical testing. Allele origin: germline.
Comment: This sequence change replaces leucine, which is neutral and non-polar, with isoleucine, which is neutral and non-polar, at codon 995 of the ATM protein (p.Leu995Ile). This variant is present in population databases (no rsID available, gnomAD 0.0009%). This variant has not been reported in the literature in individuals affected with ATM-related conditions. ClinVar contains an entry for this variant (Variation ID: 1798418). Invitae Evidence Modeling of protein sequence and biophysical properties (such as structural, functional, and spatial information, amino acid conservation, physicochemical variation, residue mobility, and thermodynamic stability) indicates that this missense variant is not expected to disrupt ATM protein function with a negative predictive value of 95%. In summary, the available evidence is currently insufficient to determine the role of this variant in disease. Therefore, it has been classified as a Variant of Uncertain Significance.

Ambry Genetics
Classification: Uncertain significance for Hereditary cancer-predisposing syndrome. Last evaluated: 2020-12-09. Review status: criteria provided, single submitter. Criteria: Ambry Variant Classification Scheme 2023. Collection method: clinical testing. Allele origin: germline.
Comment: The p.L995I variant (also known as c.2983C>A), located in coding exon 19 of the ATM gene, results from a C to A substitution at nucleotide position 2983. The leucine at codon 995 is replaced by isoleucine, an amino acid with highly similar properties. This amino acid position is not well conserved in available vertebrate species. In addition, this alteration is predicted to be tolerated by in silico analysis. Since supporting evidence is limited at this time, the clinical significance of this alteration remains unclear.

NM_000051.4(ATM):c.2983C>A (p.Leu995Ile)

Gene: ATM (ATM serine/threonine kinase; plus strand). Cytogenetic location: 11q22.3.
Variant type: single nucleotide variant.
Coding change: c.2983C>A on transcript NM_000051.4 (MANE Select); coding-DNA position 2983, C replaced by A.
Protein change: p.Leu995Ile; replaces leucine 995 with isoleucine.
Molecular consequence: missense variant.
Genome position (GRCh38, 1-based): chr11:108,271,312, C>A. VCF-style: chr11-108271312-C-A. GRCh37 (hg19) VCF-style: chr11-108142039-C-A.
Other names: c.2983C>A, p.Leu995Ile (NM_001351834.2); short protein forms L995I.
Identifiers: ClinVar variation 1798418 (VCV001798418.4), dbSNP rs587779831, ClinGen allele CA382547324.